The following is an entry in ClinVar:

ClinVar aggregate classification (germline): Uncertain significance (1 of 4 stars; one submission).

Allele frequency attached by ClinVar (database versions not stated): 1000 Genomes Project 30x 0.00047; 1000 Genomes Project 0.00060.
gnomAD v4.1: 105 of 1,613,886 alleles (0.0065%); highest among the groups gnomAD compares: East Asian, 0.21%; no homozygotes.

Submission:

Labcorp Genetics (formerly Invitae), Labcorp
Classification: Uncertain significance. Last evaluated: 2021-12-27. Review status: criteria provided, single submitter. Criteria: Invitae Variant Classification Sherloc (09022015). Collection method: clinical testing. Allele origin: germline.
Comment: This sequence change replaces arginine, which is basic and polar, with cysteine, which is neutral and slightly polar, at codon 1027 of the CUL7 protein (p.Arg1027Cys). This variant is present in population databases (rs149152275, gnomAD 0.05%). This variant has not been reported in the literature in individuals affected with CUL7-related conditions. Algorithms developed to predict the effect of missense changes on protein structure and function output the following: SIFT: "Tolerated"; PolyPhen-2: "Benign"; Align-GVGD: "Class C0". The cysteine amino acid residue is found in multiple mammalian species, which suggests that this missense change does not adversely affect protein function. In summary, the available evidence is currently insufficient to determine the role of this variant in disease. Therefore, it has been classified as a Variant of Uncertain Significance.

NM_014780.5(CUL7):c.3079C>T (p.Arg1027Cys)

Gene: CUL7 (cullin 7; minus strand). Cytogenetic location: 6p21.1.
Variant type: single nucleotide variant.
Coding change: c.3079C>T on transcript NM_014780.5 (MANE Select); coding-DNA position 3079, C replaced by T.
Protein change: p.Arg1027Cys; replaces arginine 1027 with cysteine.
Molecular consequence: missense variant.
Genome position (GRCh38, 1-based): chr6:43,044,845, G>A on the plus strand (C>T on the coding strand, the complement: CUL7 is on the minus strand). VCF-style: chr6-43044845-G-A. GRCh37 (hg19) VCF-style: chr6-43012583-G-A.
Other names: c.3175C>T, p.Arg1059Cys (NM_001168370.2, NM_001374872.1); c.3079C>T, p.Arg1027Cys (NM_001374873.1, NM_001374874.1); short protein forms R1027C, R1059C.
Identifiers: ClinVar variation 1899493 (VCV001899493.4), dbSNP rs149152275, ClinGen allele CA3813590.